The following is an entry in ClinVar:

NM_003242.6(TGFBR2):c.1396+1G>A

Gene: TGFBR2 (transforming growth factor beta receptor 2; plus strand). Cytogenetic location: 3p24.1.
Variant type: single nucleotide variant.
Coding change: c.1396+1G>A on transcript NM_003242.6 (MANE Select); the canonical splice donor site of the intron after coding-DNA position 1396, G replaced by A.
Molecular consequence: splice donor variant. On other transcripts: intron variant (1).
Genome position (GRCh38, 1-based): chr3:30,674,247, G>A. VCF-style: chr3-30674247-G-A. GRCh37 (hg19) VCF-style: chr3-30715739-G-A.
Other names: NM_003242.6:c.1396+1G>A; NC_000003.11:g.30715739G>A; c.1399+1G>A (NM_001407129.1); c.1291+1G>A (NM_001407132.1, NM_001407136.1, NM_001407133.1 and 2 more transcripts); c.1579+1G>A (NM_001407126.1); c.1471+1G>A (NM_001024847.3); c.530-14140G>A (NM_001407139.1); c.1111+1G>A (NM_001407137.1); and 4 more.
Identifiers: ClinVar variation 1329460 (VCV001329460.7), dbSNP rs528566980, ClinGen allele CA046428.

ClinVar aggregate classification (germline): Uncertain significance (1 of 4 stars; one submission).

Conditions:
Familial thoracic aortic aneurysm and aortic dissection (TAAD). Also called: Thoracic aortic aneurysms and dissections. Identifiers: Orphanet 91387, MedGen C4707243, MONDO:0019625.

Allele frequency attached by ClinVar (database versions not stated): gnomAD exomes below 0.00001; ExAC 0.00001; gnomAD 0.00001; 1000 Genomes Project 30x 0.00016; 1000 Genomes Project 0.00020.
gnomAD v4.1: 1 of 1,614,092 alleles (0.000062%); highest among the groups gnomAD compares: African/African-American, 0.0013%; no homozygotes.

Submissions (3):

Ambry Genetics
Classification: Uncertain significance for Familial thoracic aortic aneurysm and aortic dissection. Last evaluated: 2020-12-21. Review status: criteria provided, single submitter. Criteria: Ambry Variant Classification Scheme 2023. Collection method: clinical testing. Allele origin: germline.
Comment: The c.1396+1G>A intronic variant results from a G to A substitution one nucleotide after coding exon 5 of the TGFBR2 gene. This nucleotide position is highly conserved in available vertebrate species. In silico splice site analysis predicts that this alteration will weaken the native splice donor site and will result in the creation or strengthening of a novel splice donor site. Alterations that disrupt the canonical splice site are expected to cause aberrant splicing, resulting in an abnormal protein or a transcript that is subject to nonsense-mediated mRNA decay. However, loss of function of TGFBR2 has not been clearly established as a mechanism of disease. Since supporting evidence is limited at this time, the clinical significance of this alteration remains unclear.

Dr. Peter K. Rogan Lab, Western University
No classification provided (evidence only). Condition: Cervical cancer. Review status: no classification provided. Collection method: in vitro. Allele origin: not applicable. Functional consequence: retained intron. Not counted in ClinVar's aggregate classification.

MutSpliceDB: a database of splice sites variants effects on splicing, NIH
No classification provided (evidence only). Review status: no classification provided. Collection method: in vivo. Allele origin: not applicable. Functional consequence: retained intron. Not counted in ClinVar's aggregate classification.